The following is an entry in ClinVar:

NM_014694.4(ADAMTSL2):c.258G>C (p.Gly86=)

Gene: ADAMTSL2 (ADAMTS like 2; plus strand). Cytogenetic location: 9q34.2.
Variant type: single nucleotide variant.
Coding change: c.258G>C on transcript NM_014694.4 (MANE Select); coding-DNA position 258, G replaced by C.
Protein change: p.Gly86=; no amino-acid change (glycine 86 retained).
Molecular consequence: synonymous variant.
Genome position (GRCh38, 1-based): chr9:133,538,373, G>C. VCF-style: chr9-133538373-G-C. GRCh37 (hg19) VCF-style: chr9-136403495-G-C.
Other names: c.258G>C, p.Gly86= (NM_001145320.2).
Identifiers: ClinVar variation 914317 (VCV000914317.29), dbSNP rs376297294, ClinGen allele CA5312538.

ClinVar aggregate classification (germline): Conflicting classifications of pathogenicity. Review status: criteria provided, conflicting classifications (1 of 4 stars). 3 submissions from 3 submitters: Uncertain significance (1); Likely benign (2). Last evaluated 2024-04-18.

Conditions:
Geleophysic dysplasia 1 (GPHYSD1). Also called: Geleophysic dwarfism. Identifiers: Orphanet 2623, MedGen C3278147, MONDO:0009269, OMIM 231050.

Allele frequency attached by ClinVar (database versions not stated): gnomAD 0.00003 and 0.00004; gnomAD exomes 0.00003 and 0.00005; ExAC 0.00004; TOPMed 0.00005; ESP Exome Variant Server 0.00008.
gnomAD v4.1: 76 of 1,613,238 alleles (0.0047%); highest among the groups gnomAD compares: Middle Eastern, 0.016%; no homozygotes.

Submissions (3):

Blueprint Genetics
Classification: Likely benign. Last evaluated: 2024-04-18. Review status: criteria provided, single submitter. Criteria: ACMG Guidelines, 2015. Collection method: clinical testing. Allele origin: germline.

CeGaT Center for Human Genetics Tuebingen
Classification: Likely benign. Last evaluated: 2023-01-01. Review status: criteria provided, single submitter. Criteria: CeGaT Center For Human Genetics Tuebingen Variant Classification Criteria Version 2. Collection method: clinical testing. Allele origin: germline. Affected: yes. Observed: 1 variant allele.
Comment: ADAMTSL2: BP4, BP7

Illumina Laboratory Services, Illumina
Classification: Uncertain significance for Geleophysic dysplasia 1. Last evaluated: 2018-01-13. Review status: criteria provided, single submitter. Criteria: ICSL Variant Classification Criteria 13 December 2019. Collection method: clinical testing. Allele origin: germline.